The following continues an entry in ClinVar:

NM_022552.5(DNMT3A):c.1903C>T (p.Arg635Trp)

Gene: DNMT3A. ClinVar aggregate classification (germline): Conflicting classifications of pathogenicity. Pathogenic (2); Likely pathogenic (8); Uncertain significance (1). ClinVar aggregate classification (somatic clinical impact): Tier II - Potential. ClinVar aggregate classification (oncogenicity): Oncogenic.

Submissions 9 to 14 of 14:

Clinical Genetics Laboratory, CHRU Nancy
Classification: Likely pathogenic for Tatton-Brown-Rahman overgrowth syndrome. Last evaluated: 2024-03-24. Review status: criteria provided, single submitter. Criteria: ACMG Guidelines, 2015. Collection method: clinical testing. Allele origin: germline. Affected: yes.

Clinical Genetics Laboratory, Skane University Hospital Lund
Classification: Likely pathogenic. Last evaluated: 2022-05-27. Review status: criteria provided, single submitter. Criteria: ACMG Guidelines, 2015. Collection method: clinical testing. Allele origin: germline. Affected: yes.

Eurofins Ntd Llc (ga)
Classification: Likely pathogenic. Last evaluated: 2016-03-16. Review status: criteria provided, single submitter. Criteria: EGL Classification Definitions 2015. Collection method: clinical testing. Allele origin: germline. Observed: 1 variant allele, 1 heterozygote.

Juno Genomics, Hangzhou Juno Genomics, Inc
Classification: Likely pathogenic for Tatton-Brown-Rahman overgrowth syndrome; Acute myeloid leukemia; Heyn-Sproul-Jackson syndrome. Review status: criteria provided, single submitter. Criteria: ACMG Guidelines, 2015. Collection method: clinical testing. Allele origin: germline.
Comment: Absent from controls (or at extremely low frequency if recessive) in Genome Aggregation Database.;Novel missense change at an amino acid residue where a different missense change determined to be pathogenic has been seen before.;Well-established in vitro or in vivo functional studies supportive of a damaging effect on the gene or gene product.

Molecular Genetics Lab, CHRU Brest
Classification: Likely pathogenic for Heyn-Sproul-Jackson syndrome; Tatton-Brown-Rahman overgrowth syndrome; Acute myeloid leukemia. Review status: criteria provided, single submitter. Criteria: ACMG Guidelines, 2015. Collection method: clinical testing. Allele origin: de novo. Affected: yes.

PreventionGenetics, part of Exact Sciences
Classification: Uncertain significance for DNMT3A-related condition. Last evaluated: 2024-06-07. Review status: no assertion criteria provided. Collection method: clinical testing. Allele origin: germline. Not counted in ClinVar's aggregate classification.
Comment: The DNMT3A c.1903C>T variant is predicted to result in the amino acid substitution p.Arg635Trp. This variant has been reported as a de novo variant in two individuals with autism, but one individual also harbored another de novo variant in another gene, MICALCL (Jiang et al. 2013. PubMed ID: 23849776; Yuen et al. 2017. PubMed ID: 28263302, table S3 genomic position 25466800). In ClinVar, the DNMT3A variant is reported as uncertain and likely pathogenic. This variant is reported in 0.023% of alleles in individuals of African descent in gnomAD. At this time, the clinical significance of this variant is uncertain due to the absence of conclusive functional and genetic evidence.

Literature cited by the submitters: PubMed 23849776 (cited by Labcorp Genetics (formerly Invitae), Labcorp and Variantyx, Inc.); PubMed 27525107 (cited by Labcorp Genetics (formerly Invitae), Labcorp); PubMed 31981491 (cited by Labcorp Genetics (formerly Invitae), Labcorp); PubMed 31861499 (cited by 5 submitters); PubMed 32435502 (cited by 3 submitters); PubMed 35982159 (cited by Variantyx, Inc.); PubMed 25426837 (cited by Variantyx, Inc.); PubMed 25426838 (cited by Variantyx, Inc.); PubMed 34644003 (cited by Ambry Genetics); PubMed 36329185 (cited by Ambry Genetics); PubMed 34429321 (cited by Institute for Genomic Medicine (IGM) Clinical Laboratory, Nationwide Children's Hospital); PubMed 31371348 (cited by Institute for Genomic Medicine (IGM) Clinical Laboratory, Nationwide Children's Hospital); PubMed 34661724 (cited by Institute for Genomic Medicine (IGM) Clinical Laboratory, Nationwide Children's Hospital).